The following is an entry in ClinVar:

NM_000264.5(PTCH1):c.478C>G (p.Gln160Glu)

Gene: PTCH1 (patched 1; minus strand). Cytogenetic location: 9q22.32.
Variant type: single nucleotide variant.
Coding change: c.478C>G on transcript NM_000264.5 (MANE Select); coding-DNA position 478, C replaced by G.
Protein change: p.Gln160Glu; replaces glutamine 160 with glutamic acid.
Molecular consequence: missense variant. On other transcripts: non-coding transcript variant (1).
Genome position (GRCh38, 1-based): chr9:95,485,791, G>C on the plus strand (C>G on the coding strand, the complement: PTCH1 is on the minus strand). VCF-style: chr9-95485791-G-C. GRCh37 (hg19) VCF-style: chr9-98248073-G-C.
Other names: c.280C>G, p.Gln94Glu (NM_001083602.3, NM_001354919.2); c.475C>G, p.Gln159Glu (NM_001083603.3); c.25C>G, p.Gln9Glu (NM_001083604.3, NM_001083605.3, NM_001083606.3 and 1 more transcripts); c.478C>G, p.Gln160Glu (NM_001354918.2); short protein forms Q159E, Q160E, Q94E, Q9E.
Identifiers: ClinVar variation 4862706 (VCV004862706.1).

ClinVar aggregate classification (germline): Uncertain significance (1 of 4 stars; one submission).

Conditions:
Hereditary cancer-predisposing syndrome. Also called: Neoplastic Syndromes, Hereditary; Tumor predisposition; Hereditary Cancer Syndrome; Hereditary neoplastic syndrome. Identifiers: Orphanet 140162, MedGen C0027672, MeSH D009386, MONDO:0015356.

Submission:

Ambry Genetics
Classification: Uncertain significance for Hereditary cancer-predisposing syndrome. Last evaluated: 2026-05-30. Review status: criteria provided, single submitter. Criteria: Ambry Variant Classification Scheme 2023. Collection method: clinical testing. Allele origin: germline.
Comment: The p.Q160E variant (also known as c.478C>G), located in coding exon 3 of the PTCH1 gene, results from a C to G substitution at nucleotide position 478. The glutamine at codon 160 is replaced by glutamic acid, an amino acid with highly similar properties. This amino acid position is conserved. In addition, this alteration is predicted to be deleterious by in silico analysis. Based on the available evidence, the clinical significance of this variant remains unclear.